The following is an entry in ClinVar:

NM_002691.4(POLD1):c.2784T>G (p.Ser928Arg)

Gene: POLD1 (DNA polymerase delta 1, catalytic subunit; plus strand). Cytogenetic location: 19q13.33.
Variant type: single nucleotide variant.
Coding change: c.2784T>G on transcript NM_002691.4 (MANE Select); coding-DNA position 2784, T replaced by G.
Protein change: p.Ser928Arg; replaces serine 928 with arginine.
Molecular consequence: missense variant.
Genome position (GRCh38, 1-based): chr19:50,415,790, T>G. VCF-style: chr19-50415790-T-G. GRCh37 (hg19) VCF-style: chr19-50919047-T-G.
Other names: c.2784T>G, p.Ser928Arg (NM_001256849.1, NM_001438212.1, NM_001438213.1); c.2862T>G, p.Ser954Arg (NM_001308632.1); c.2712T>G, p.Ser904Arg (NM_001438210.1, NM_001438211.1); short protein forms S904R, S928R, S954R.
Identifiers: ClinVar variation 4669012 (VCV004669012.1).

ClinVar aggregate classification (germline): Uncertain significance (1 of 4 stars; one submission).

Conditions:
Hereditary cancer-predisposing syndrome. Also called: Neoplastic Syndromes, Hereditary; Tumor predisposition; Hereditary Cancer Syndrome; Hereditary neoplastic syndrome. Identifiers: Orphanet 140162, MedGen C0027672, MeSH D009386, MONDO:0015356.

Submission:

Ambry Genetics
Classification: Uncertain significance for Hereditary cancer-predisposing syndrome. Last evaluated: 2025-10-02. Review status: criteria provided, single submitter. Criteria: Ambry Variant Classification Scheme 2023. Collection method: clinical testing. Allele origin: germline.
Comment: The p.S928R variant (also known as c.2784T>G), located in coding exon 21 of the POLD1 gene, results from a T to G substitution at nucleotide position 2784. The serine at codon 928 is replaced by arginine, an amino acid with dissimilar properties. This amino acid position is conserved. In addition, this alteration is predicted to be tolerated by in silico analysis. Based on the available evidence, the clinical significance of this variant remains unclear.